The following is an entry in ClinVar:

ClinVar aggregate classification (germline): Uncertain significance. Review status: criteria provided, multiple submitters, no conflicts (2 of 4 stars). 2 submissions from 2 submitters: Uncertain significance (2). Last evaluated 2022-10-19.

Conditions:
Microcephaly, normal intelligence and immunodeficiency (NBS). Also called: Nijmegen breakage syndrome; Microcephaly with normal intelligence immunodeficiency and lymphoreticular malignancies; Nonsyndromal microcephaly autosomal recessive with normal intelligence; Seemanova syndrome 2; Ataxia telangiectasia variant V1; SEEMANOVA SYNDROME II. Identifiers: Orphanet 647, MedGen C0398791, MONDO:0009623, OMIM 251260.

Submissions (2):

Quest Diagnostics Nichols Institute San Juan Capistrano
Classification: Uncertain significance. Last evaluated: 2022-10-19. Review status: criteria provided, single submitter. Criteria: Quest Diagnostics criteria. Collection method: clinical testing. Allele origin: unknown.
Comment: This variant has not been reported in the published literature. It also has not been reported in large, multi-ethnic general populations. Analysis of this variant using bioinformatics tools for the prediction of the effect of amino acid changes on protein structure and function yielded predictions that this variant is damaging. Based on the available information, we are unable to determine the clinical significance of this variant.

Labcorp Genetics (formerly Invitae), Labcorp
Classification: Uncertain significance for Microcephaly, normal intelligence and immunodeficiency. Last evaluated: 2022-07-29. Review status: criteria provided, single submitter. Criteria: Invitae Variant Classification Sherloc (09022015). Collection method: clinical testing. Allele origin: germline.
Comment: Algorithms developed to predict the effect of missense changes on protein structure and function are either unavailable or do not agree on the potential impact of this missense change (SIFT: "Deleterious"; PolyPhen-2: "Possibly Damaging"; Align-GVGD: "Class C0"). In summary, the available evidence is currently insufficient to determine the role of this variant in disease. Therefore, it has been classified as a Variant of Uncertain Significance. This variant has not been reported in the literature in individuals affected with NBN-related conditions. This sequence change replaces cysteine, which is neutral and slightly polar, with tyrosine, which is neutral and polar, at codon 147 of the NBN protein (p.Cys147Tyr). This variant is not present in population databases (gnomAD no frequency).

NM_002485.5(NBN):c.440G>A (p.Cys147Tyr)

Gene: NBN (nibrin; minus strand). Cytogenetic location: 8q21.3.
Variant type: single nucleotide variant.
Coding change: c.440G>A on transcript NM_002485.5 (MANE Select); coding-DNA position 440, G replaced by A.
Protein change: p.Cys147Tyr; replaces cysteine 147 with tyrosine.
Molecular consequence: missense variant.
Genome position (GRCh38, 1-based): chr8:89,980,774, C>T on the plus strand (G>A on the coding strand, the complement: NBN is on the minus strand). VCF-style: chr8-89980774-C-T. GRCh37 (hg19) VCF-style: chr8-90993002-C-T.
Other names: c.194G>A, p.Cys65Tyr (NM_001024688.3); short protein forms C147Y, C65Y.
Identifiers: ClinVar variation 1714166 (VCV001714166.6), dbSNP rs2488355721, ClinGen allele CA371661673.